The following is an entry in ClinVar:

ClinVar aggregate classification (germline): Likely benign. Review status: criteria provided, multiple submitters, no conflicts (2 of 4 stars). 2 submissions from 2 submitters: Likely benign (2). Last evaluated 2025-10-13.

Conditions:
Combined oxidative phosphorylation defect type 17. Also called: Combined oxidative phosphorylation deficiency 17. Identifiers: Orphanet 369913, MedGen C3809526, MONDO:0014190, OMIM 615440.

Allele frequency attached by ClinVar (database versions not stated): gnomAD exomes below 0.00001 and 0.00001; gnomAD 0.00001 and 0.00002; TOPMed 0.00001.

Submissions (2):

Labcorp Genetics (formerly Invitae), Labcorp
Classification: Likely benign for Combined oxidative phosphorylation defect type 17. Last evaluated: 2025-10-13. Review status: criteria provided, single submitter. Criteria: Invitae Variant Classification Sherloc (09022015). Collection method: clinical testing. Allele origin: germline.

GeneDx
Classification: Likely benign. Last evaluated: 2016-03-01. Review status: criteria provided, single submitter. Criteria: GeneDx Variant Classification (06012015). Collection method: clinical testing. Allele origin: germline. Affected: yes.
Comment: This variant is considered likely benign or benign based on one or more of the following criteria: it is a conservative change, it occurs at a poorly conserved position in the protein, it is predicted to be benign by multiple in silico algorithms, and/or has population frequency not consistent with disease.

NM_018127.7(ELAC2):c.2109-17C>G

Gene: ELAC2 (elaC ribonuclease Z 2; minus strand). Cytogenetic location: 17p12.
Variant type: single nucleotide variant.
Coding change: c.2109-17C>G on transcript NM_018127.7 (MANE Select); 17 bases into the intron before coding-DNA position 2109, C replaced by G.
Molecular consequence: intron variant.
Genome position (GRCh38, 1-based): chr17:12,993,848, G>C on the plus strand (C>G on the coding strand, the complement: ELAC2 is on the minus strand). VCF-style: chr17-12993848-G-C. GRCh37 (hg19) VCF-style: chr17-12897165-G-C.
Other names: c.1989-17C>G (NM_001165962.2); c.2106-17C>G (NM_173717.2).
Identifiers: ClinVar variation 382985 (VCV000382985.8), dbSNP rs1053943347, ClinGen allele CA16607515.